The following is an entry in ClinVar:

ClinVar aggregate classification (germline): Benign. Review status: criteria provided, multiple submitters, no conflicts (2 of 4 stars). 3 submissions from 3 submitters: Benign (2). 1 of the submissions does not count toward it. Last evaluated 2021-08-11.

Allele frequency attached by ClinVar (database versions not stated): 1000 Genomes Project 0.06789; 1000 Genomes Project 30x 0.07152; gnomAD exomes 0.09336; ExAC 0.09674; TOPMed 0.10642; gnomAD 0.11085 and 0.11505; ESP Exome Variant Server 0.12765.
gnomAD v4.1: 198,283 of 1,613,848 alleles (12%); highest among the groups gnomAD compares: Non-Finnish European, 14%; 13,438 homozygotes.

Submissions (3):

GeneDx
Classification: Benign. Last evaluated: 2021-08-11. Review status: criteria provided, single submitter. Criteria: GeneDx Variant Classification Process June 2021. Collection method: clinical testing. Allele origin: germline. Affected: yes.

Breakthrough Genomics
Classification: Benign. Review status: criteria provided, single submitter. Criteria: ACMG Guidelines, 2015. Collection method: not provided. Allele origin: germline. Inheritance: Autosomal recessive inheritance. Affected: yes.

Genetic Services Laboratory, University of Chicago
Classification: Likely benign for AllHighlyPenetrant. Review status: no assertion criteria provided. Collection method: clinical testing. Allele origin: germline. Inheritance: Autosomal dominant inheritance. Not counted in ClinVar's aggregate classification.
Comment: Likely benign based on allele frequency in 1000 Genomes Project or ESP global frequency and its presence in a patient with a rare or unrelated disease phenotype. NOT Sanger confirmed.

NM_017757.3(ZNF407):c.1263C>T (p.Leu421=)

Gene: ZNF407 (zinc finger protein 407; plus strand). Cytogenetic location: 18q22.3.
Variant type: single nucleotide variant.
Coding change: c.1263C>T on transcript NM_017757.3 (MANE Select); coding-DNA position 1263, C replaced by T.
Protein change: p.Leu421=; no amino-acid change (leucine 421 retained).
Molecular consequence: synonymous variant.
Genome position (GRCh38, 1-based): chr18:74,632,282, C>T. VCF-style: chr18-74632282-C-T. GRCh37 (hg19) VCF-style: chr18-72344238-C-T.
Other names: c.1263C>T, p.Leu421= (NM_001146189.1, NM_001146190.1, NM_001384475.1).
Identifiers: ClinVar variation 130814 (VCV000130814.9), dbSNP rs17817969, ClinGen allele CA156111.